The following is an entry in ClinVar:

ClinVar aggregate classification (germline): Conflicting classifications of pathogenicity. Review status: criteria provided, conflicting classifications (1 of 4 stars). 6 submissions from 6 submitters: Pathogenic (1); Likely pathogenic (4); Uncertain significance (1). Last evaluated 2026-05-06.

Conditions:
ENHANCED S-CONE SYNDROME 1 (ESCS1). Also called: RETINOSCHISIS WITH EARLY HEMERALOPIA; FAVRE HYALOIDEORETINAL DEGENERATION. Identifiers: MedGen CN380299, OMIM 268100.
Retinal dystrophy. Also called: Inherited retinal dystrophy. Identifiers: Orphanet 71862, MedGen C0854723, MeSH D058499, MONDO:0019118, HP:0000556.
NR2E3-related disorder. Also called: NR2E3-related condition; NR2E3-related disorders. Identifiers: MedGen CN239387.
Enhanced S-cone syndrome (ESCS). Identifiers: Orphanet 53540, MedGen C1849394, MONDO:0100288, MONDO:0009989.
Retinitis pigmentosa (RP). Identifiers: Orphanet 791, MedGen C0035334, MeSH D012174, MONDO:0019200, OMIM 268000. Inheritance: Autosomal dominant, autosomal recessive and X linked inheritance.

Submissions (6):

Women's Health and Genetics/Laboratory Corporation of America, LabCorp
Classification: Likely pathogenic for Retinitis pigmentosa. Last evaluated: 2026-05-06. Review status: criteria provided, single submitter. Criteria: LabCorp Variant Classification Summary - May 2015. Collection method: clinical testing. Allele origin: germline.
Comment: Variant summary: NR2E3 c.1118T>C (p.Leu373Pro) results in a non-conservative amino acid change in the encoded protein sequence. Algorithms developed to predict the effect of missense changes on protein structure and function are either unavailable or do not agree on the potential impact of this missense change. The variant was absent in 249224 control chromosomes (gnomAD). c.1118T>C has been observed in compound heterozygous and homozygous individuals affected with Enhanced S-Cone Syndrome and Retinitis Pigmentosa (Minnella_2018, Murro_2018, Kiel_2024). These data indicate that the variant is likely to be associated with disease. To our knowledge, no experimental evidence demonstrating an impact on protein function has been reported. The following publications have been ascertained in the context of this evaluation (PMID: 33138239, 39462066, 30285900, 30324420). ClinVar contains an entry for this variant (Variation ID: 1333361). Based on the evidence outlined above, the variant was classified as likely pathogenic.

Labcorp Genetics (formerly Invitae), Labcorp
Classification: Likely pathogenic. Last evaluated: 2023-05-08. Review status: criteria provided, single submitter. Criteria: Invitae Variant Classification Sherloc (09022015). Collection method: clinical testing. Allele origin: germline.
Comment: In summary, the currently available evidence indicates that the variant is pathogenic, but additional data are needed to prove that conclusively. Therefore, this variant has been classified as Likely Pathogenic. Advanced modeling of protein sequence and biophysical properties (such as structural, functional, and spatial information, amino acid conservation, physicochemical variation, residue mobility, and thermodynamic stability) performed at Invitae indicates that this missense variant is expected to disrupt NR2E3 protein function. This sequence change replaces leucine, which is neutral and non-polar, with proline, which is neutral and non-polar, at codon 373 of the NR2E3 protein (p.Leu373Pro). ClinVar contains an entry for this variant (Variation ID: 1333361). This missense change has been observed in individual(s) with clinical features of enhanced S-cone syndrome (PMID: 30285900, 30324420). In at least one individual the data is consistent with being in trans (on the opposite chromosome) from a pathogenic variant. This variant is not present in population databases (gnomAD no frequency).

3billion
Classification: Uncertain significance for ENHANCED S-CONE SYNDROME 1. Last evaluated: 2022-01-03. Review status: criteria provided, single submitter. Criteria: ACMG Guidelines, 2015. Collection method: clinical testing. Allele origin: germline. Affected: yes. Observed: 1 homozygote.
Comment: Same nucleotide change resulting in same amino acid change has been previously reported to be associated with NR2E3 related disorder (PMID:30285900, PS1_P). It is not observed in the gnomAD v2.1.1 dataset (PM2_M). In silico tool predictions suggest damaging effect of the variant on gene or gene product (REVEL: 0.729, 3CNET: 0.911, PP3_P). Therefore, this variant is classified as uncertain significance according to the recommendation of ACMG/AMP guideline.

Blueprint Genetics
Classification: Pathogenic for NR2E3-related disorders. Last evaluated: 2020-06-30. Review status: criteria provided, single submitter. Criteria: ACMG Guidelines, 2015. Collection method: clinical testing. Allele origin: germline. Affected: yes. Observed: 2 variant alleles.

Institute of Human Genetics, Univ. Regensburg, Univ. Regensburg
Classification: Likely pathogenic for Retinal dystrophy. Last evaluated: 2020-01-01. Review status: criteria provided, single submitter. Criteria: ACMG Guidelines, 2015. Collection method: clinical testing. Allele origin: germline. Affected: yes.

Kariminejad - Najmabadi Pathology & Genetics Center
Classification: Likely pathogenic for ENHANCED S-CONE SYNDROME 1. Review status: criteria provided, single submitter. Criteria: ACMG Guidelines, 2015. Collection method: clinical testing. Allele origin: germline. Affected: no.

Literature cited by the submitters: PubMed 33138239 (cited by Women's Health and Genetics/Laboratory Corporation of America, LabCorp); PubMed 39462066 (cited by Women's Health and Genetics/Laboratory Corporation of America, LabCorp); PubMed 30285900 (cited by 4 submitters); PubMed 30324420 (cited by Women's Health and Genetics/Laboratory Corporation of America, LabCorp and Labcorp Genetics (formerly Invitae), Labcorp); PubMed 3032442 (cited by Institute of Human Genetics, Univ. Regensburg, Univ. Regensburg).

NM_014249.4(NR2E3):c.1118T>C (p.Leu373Pro)

Gene: NR2E3 (nuclear receptor subfamily 2 group E member 3; plus strand). Cytogenetic location: 15q23.
Variant type: single nucleotide variant.
Coding change: c.1118T>C on transcript NM_014249.4 (MANE Select); coding-DNA position 1118, T replaced by C.
Protein change: p.Leu373Pro; replaces leucine 373 with proline.
Molecular consequence: missense variant.
Genome position (GRCh38, 1-based): chr15:71,817,569, T>C. VCF-style: chr15-71817569-T-C. GRCh37 (hg19) VCF-style: chr15-72109910-T-C.
Other names: short protein forms L373P.
Identifiers: ClinVar variation 1333361 (VCV001333361.10), dbSNP rs2140294904, ClinGen allele CA393041120.